The following is an entry in ClinVar:

NM_152564.5(VPS13B):c.7830_7831insGAGCCATT (p.Asn2611fs)

Gene: VPS13B (vacuolar protein sorting 13 homolog B; plus strand). Cytogenetic location: 8q22.2.
Variant type: Insertion.
Coding change: c.7830_7831insGAGCCATT on transcript NM_152564.5 (MANE Select); coding-DNA positions 7830 to 7831, GAGCCATT inserted.
Protein change: p.Asn2611fs; shifts the reading frame from asparagine 2611.
Molecular consequence: frameshift variant.
Genome position: GRCh38 VCF-style: chr8-99784364-G-GTGAGCCAT. GRCh37 (hg19) VCF-style: chr8-100796592-G-GTGAGCCAT.
Other names: c.7905_7906insGAGCCATT, p.Asn2636fs (NM_017890.5); short protein forms N2611fs, N2636fs.
Identifiers: ClinVar variation 3348792 (VCV003348792.1).

ClinVar aggregate classification (germline): Likely pathogenic (0 of 4 stars; one submission).

Conditions:
VPS13B-related disorder. Also called: VPS13B-related condition.

Submission:

PreventionGenetics, part of Exact Sciences
Classification: Likely pathogenic for VPS13B-related condition. Last evaluated: 2023-11-15. Review status: no assertion criteria provided. Collection method: clinical testing. Allele origin: germline.
Comment: The VPS13B c.7830_7831insGAGCCATT variant is predicted to result in a frameshift and premature protein termination (p.Asn2611Glufs*109). To our knowledge, this variant has not been reported in the literature or in a large population database, indicating this variant is rare. Frameshift variants in VPS13B are expected to be pathogenic. This variant is interpreted as likely pathogenic.